The following is an entry in ClinVar:

NM_000276.4(OCRL):c.775G>C (p.Glu259Gln)

Gene: OCRL (OCRL inositol polyphosphate-5-phosphatase; plus strand). Cytogenetic location: Xq26.1.
Variant type: single nucleotide variant.
Coding change: c.775G>C on transcript NM_000276.4 (MANE Select); coding-DNA position 775, G replaced by C.
Protein change: p.Glu259Gln; replaces glutamic acid 259 with glutamine.
Molecular consequence: missense variant.
Genome position (GRCh38, 1-based): chrX:129,560,602, G>C. VCF-style: chrX-129560602-G-C. GRCh37 (hg19) VCF-style: chrX-128694579-G-C.
Other names: c.778G>C, p.Glu260Gln (NM_001318784.2); c.775G>C, p.Glu259Gln (NM_001587.4); short protein forms E260Q, E259Q.
Identifiers: ClinVar variation 2861460 (VCV002861460.3), dbSNP rs760328405, ClinGen allele CA10512081.
Genomic context (GRCh38, chrX:129,560,602, plus strand): 5'-TGTATTAGATTTTTTGTTGGAACTTGGAATGTGAATGGCCAGTCTCCAGATAGCGGGTTA[G>C]AACCTTGGCTGAACTGTGATCCCAATCCTCCTGATATCTACTGCATTGGGTAAAGAACAC-3'
Protein context (NP_000267.2, residues 249-269): VNGQSPDSGL[Glu259Gln]PWLNCDPNPP

ClinVar aggregate classification (germline): Uncertain significance (1 of 4 stars; one submission).

Conditions:
Lowe syndrome (OCRL). Also called: LOWE OCULOCEREBRORENAL SYNDROME; PHOSPHATIDYLINOSITOL 4,5-BISPHOSPHATE 5-PHOSPHATASE DEFICIENCY; Oculocerebrorenal Syndrome. Identifiers: Orphanet 534, MedGen C0028860, MONDO:0010645, OMIM 309000.

Allele frequency attached by ClinVar (database versions not stated): gnomAD exomes below 0.00001; ExAC 0.00001.
gnomAD v4.1: 2 of 1,205,597 alleles (0.00017%); highest among the groups gnomAD compares: Non-Finnish European, 0.00011%; no homozygotes.

Submission:

Labcorp Genetics (formerly Invitae), Labcorp
Classification: Uncertain significance for Lowe syndrome. Last evaluated: 2023-10-03. Review status: criteria provided, single submitter. Criteria: Invitae Variant Classification Sherloc (09022015). Collection method: clinical testing. Allele origin: germline.
Comment: This sequence change replaces glutamic acid, which is acidic and polar, with glutamine, which is neutral and polar, at codon 259 of the OCRL protein (p.Glu259Gln). This variant is present in population databases (rs760328405, gnomAD 0.002%). This variant has not been reported in the literature in individuals affected with OCRL-related conditions. Advanced modeling of protein sequence and biophysical properties (such as structural, functional, and spatial information, amino acid conservation, physicochemical variation, residue mobility, and thermodynamic stability) performed at Invitae indicates that this missense variant is not expected to disrupt OCRL protein function. In summary, the available evidence is currently insufficient to determine the role of this variant in disease. Therefore, it has been classified as a Variant of Uncertain Significance.